The following is an entry in ClinVar:

NM_000059.4(BRCA2):c.8468A>G (p.Gln2823Arg)

Gene: BRCA2 (BRCA2 DNA repair associated; plus strand). Cytogenetic location: 13q13.1.
Variant type: single nucleotide variant.
Coding change: c.8468A>G on transcript NM_000059.4 (MANE Select); coding-DNA position 8468, A replaced by G.
Protein change: p.Gln2823Arg; replaces glutamine 2823 with arginine.
Molecular consequence: missense variant.
Genome position (GRCh38, 1-based): chr13:32,370,538, A>G. VCF-style: chr13-32370538-A-G. GRCh37 (hg19) VCF-style: chr13-32944675-A-G.
Other names: short protein forms Q2823R.
Identifiers: ClinVar variation 232965 (VCV000232965.23), dbSNP rs876660101, ClinGen allele CA10579788.
Genomic context (GRCh38, chr13:32,370,538, plus strand): 5'-TGCCCTTATCATCGCTTTTCAGTGATGGAGGAAATGTTGGTTGTGTTGATGTAATTATTC[A>G]AAGAGCATACCCTATACAGGTATGATGTATTCTTGAAACTTACCATATATTTCTTTCTTT-3'
Protein context (NP_000050.3, residues 2813-2833): GNVGCVDVII[Gln2823Arg]RAYPIQWMEK

ClinVar aggregate classification (germline): Conflicting classifications of pathogenicity. Review status: criteria provided, conflicting classifications (1 of 4 stars). 7 submissions from 7 submitters: Uncertain significance (6); Likely benign (1). Last evaluated 2026-01-04.

Conditions:
Hereditary breast ovarian cancer syndrome. Also called: Hereditary breast and ovarian cancer syndrome; BRCA1- and BRCA2-Associated Hereditary Breast and Ovarian Cancer; Breast and ovarian cancer; Hereditary breast and/or ovarian cancer syndrome; Hereditary breast and ovarian cancer; Hereditary breast and ovarian cancer syndrome (HBOC). Identifiers: Orphanet 145, MedGen C0677776, MeSH D061325, MONDO:0003582. Disease mechanism: loss of function.
Hereditary cancer-predisposing syndrome. Also called: Neoplastic Syndromes, Hereditary; Tumor predisposition; Hereditary Cancer Syndrome; Hereditary neoplastic syndrome. Identifiers: Orphanet 140162, MedGen C0027672, MeSH D009386, MONDO:0015356.
BRCA2-related cancer predisposition. Identifiers: MedGen CN377758, MONDO:0700269.

Allele frequency attached by ClinVar (database versions not stated): gnomAD exomes below 0.00001.
gnomAD v4.1: 3 of 1,613,552 alleles (0.00019%); highest among the groups gnomAD compares: Non-Finnish European, 0.00025%; no homozygotes.

Submissions (7):

Labcorp Genetics (formerly Invitae), Labcorp
Classification: Uncertain significance for Hereditary breast ovarian cancer syndrome. Last evaluated: 2026-01-04. Review status: criteria provided, single submitter. Criteria: Invitae Variant Classification Sherloc (09022015). Collection method: clinical testing. Allele origin: germline.
Comment: This sequence change replaces glutamine, which is neutral and polar, with arginine, which is basic and polar, at codon 2823 of the BRCA2 protein (p.Gln2823Arg). This variant is not present in population databases (gnomAD no frequency). This missense change has been observed in individual(s) with clinical features of BRCA2-related conditions (internal data). ClinVar contains an entry for this variant (Variation ID: 232965). Invitae Evidence Modeling of protein sequence and biophysical properties (such as structural, functional, and spatial information, amino acid conservation, physicochemical variation, residue mobility, and thermodynamic stability) indicates that this missense variant is not expected to disrupt BRCA2 protein function with a negative predictive value of 95%. In summary, the available evidence is currently insufficient to determine the role of this variant in disease. Therefore, it has been classified as a Variant of Uncertain Significance.

Ambry Genetics
Classification: Likely benign for Hereditary cancer-predisposing syndrome. Last evaluated: 2025-05-15. Review status: criteria provided, single submitter. Criteria: Ambry Variant Classification Scheme 2023. Collection method: clinical testing. Allele origin: germline.

All of Us Research Program, National Institutes of Health
Classification: Uncertain significance for BRCA2-related cancer predisposition. Last evaluated: 2024-08-23. Review status: criteria provided, single submitter. Criteria: ACMG Guidelines, 2015. Collection method: clinical testing. Allele origin: germline. Inheritance: Autosomal dominant inheritance. Observed: 2 variant alleles, 2 heterozygotes.
Comment: This missense variant replaces glutamine with arginine at codon 2823 of the BRCA2 protein. Computational prediction suggests that this variant may not impact protein structure and function (internally defined REVEL score threshold <= 0.5, PMID: 27666373). To our knowledge, functional studies have not been reported for this variant. This variant has not been reported in individuals affected with hereditary cancer in the literature. This variant has not been identified in the general population by the Genome Aggregation Database (gnomAD). The available evidence is insufficient to determine the role of this variant in disease conclusively. Therefore, this variant is classified as a Variant of Uncertain Significance.

This study involves interpretation of variants in research participants for the purpose of population health screening. Participant phenotype was not available at the time of variant classification. Additional details can be found in publication PMID: 35346344, PMCID: PMC8962531

Color Diagnostics, LLC DBA Color Health
Classification: Uncertain significance for Hereditary cancer-predisposing syndrome. Last evaluated: 2024-08-08. Review status: criteria provided, single submitter. Criteria: ACMG Guidelines, 2015. Collection method: clinical testing. Allele origin: germline.
Comment: This missense variant replaces glutamine with arginine at codon 2823 of the BRCA2 protein. Computational prediction suggests that this variant may not impact protein structure and function. To our knowledge, functional studies have not been reported for this variant. A multifactorial analysis has reported a likelihood ratio based on personal and family history of 0.611 from log(LR)=-0.214278057 (PMID: 31853058). This variant has not been identified in the general population by the Genome Aggregation Database (gnomAD). The available evidence is insufficient to determine the role of this variant in disease conclusively. Therefore, this variant is classified as a Variant of Uncertain Significance.

GeneDx
Classification: Uncertain significance. Last evaluated: 2022-06-06. Review status: criteria provided, single submitter. Criteria: GeneDx Variant Classification Process June 2021. Collection method: clinical testing. Allele origin: germline. Affected: yes.
Comment: Observed in an individual with breast cancer (Abu-Helalah 2020); Not observed at significant frequency in large population cohorts (gnomAD); In silico analysis supports that this missense variant does not alter protein structure/function; Also known as 8696A>G; This variant is associated with the following publications: (PMID: 12228710, 33067490)

Quest Diagnostics Nichols Institute San Juan Capistrano
Classification: Uncertain significance. Last evaluated: 2018-10-16. Review status: criteria provided, single submitter. Criteria: Quest Diagnostics criteria. Collection method: clinical testing. Allele origin: germline.

Women's Health and Genetics/Laboratory Corporation of America, LabCorp
Classification: Uncertain significance. Last evaluated: 2016-09-15. Review status: criteria provided, single submitter. Criteria: LabCorp Variant Classification Summary - May 2015. Collection method: clinical testing. Allele origin: germline.
Comment: Variant summary: The BRCA2 c.8468A>G (p.Gln2823Arg) variant causes a missense change involving a conserved nucleotide with 4/5 in silico tools predict a "damaging" outcome, although these predictions have yet to be functionally assessed. The variant of interest was not observed in controls (ExAC, 1000 Gs, or ESP), nor has it been reported in affected individuals via publications. A clinical diagnostic lab cites the variant as "uncertain significance." Therefore, taking all available lines of evidence into consideration, the variant of interest has been classified as a "Variant of Uncertain Significance (VUS)," until additional information becomes available.

Literature cited by the submitters: PubMed 31853058 (cited by Color Diagnostics, LLC DBA Color Health).